The following is an entry in ClinVar:

NM_000342.4(SLC4A1):c.695-2A>G

Gene: SLC4A1 (solute carrier family 4 member 1 (Diego blood group); minus strand). Cytogenetic location: 17q21.31.
Variant type: single nucleotide variant.
Coding change: c.695-2A>G on transcript NM_000342.4 (MANE Select); the canonical splice acceptor site of the intron before coding-DNA position 695, A replaced by G.
Molecular consequence: splice acceptor variant.
Genome position (GRCh38, 1-based): chr17:44,259,346, T>C on the plus strand (A>G on the coding strand, the complement: SLC4A1 is on the minus strand). VCF-style: chr17-44259346-T-C. GRCh37 (hg19) VCF-style: chr17-42336714-T-C.
Identifiers: ClinVar variation 3765088 (VCV003765088.2).

ClinVar aggregate classification (germline): Likely pathogenic. Review status: criteria provided, multiple submitters, no conflicts (2 of 4 stars). 2 submissions from 2 submitters: Likely pathogenic (2). Last evaluated 2026-01-17.

Submissions (2):

Labcorp Genetics (formerly Invitae), Labcorp
Classification: Likely pathogenic. Last evaluated: 2026-01-17. Review status: criteria provided, single submitter. Criteria: Invitae Variant Classification Sherloc (09022015). Collection method: clinical testing. Allele origin: germline.
Comment: This sequence change affects an acceptor splice site in intron 8 of the SLC4A1 gene. It is expected to disrupt RNA splicing. Variants that disrupt the donor or acceptor splice site typically lead to a loss of protein function (PMID: 16199547), and loss-of-function variants in SLC4A1 are known to be pathogenic (PMID: 8943874, 10926824, 23255290). This variant is not present in population databases (gnomAD no frequency). This variant has not been reported in the literature in individuals affected with SLC4A1-related conditions. ClinVar contains an entry for this variant (Variation ID: 3765088). Algorithms developed to predict the effect of sequence changes on RNA splicing suggest that this variant may disrupt the consensus splice site. In summary, the currently available evidence indicates that the variant is pathogenic, but additional data are needed to prove that conclusively. Therefore, this variant has been classified as Likely Pathogenic.

Center for Genomic Medicine, Rigshospitalet, Copenhagen University Hospital
Classification: Likely pathogenic. Last evaluated: 2025-03-04. Review status: criteria provided, single submitter. Criteria: ACMG Guidelines, 2015. Collection method: clinical testing. Allele origin: germline.
Comment: Classification criteria: PVS1, PM2_supporting

Literature cited by the submitters: PubMed 16199547 (cited by Labcorp Genetics (formerly Invitae), Labcorp); PubMed 8943874 (cited by Labcorp Genetics (formerly Invitae), Labcorp); PubMed 10926824 (cited by Labcorp Genetics (formerly Invitae), Labcorp); PubMed 23255290 (cited by Labcorp Genetics (formerly Invitae), Labcorp).